The following is an entry in ClinVar:

ClinVar aggregate classification (germline): Benign/Likely benign. Review status: criteria provided, multiple submitters, no conflicts (2 of 4 stars). 2 submissions from 2 submitters: Benign (1); Likely benign (1). Last evaluated 2025-03-21.

Conditions:
Juvenile polyposis syndrome (JPS). Identifiers: Orphanet 2929, MedGen C0345893, MONDO:0017380, OMIM 174900.
Juvenile polyposis/hereditary hemorrhagic telangiectasia syndrome (JPHT). Also called: JP/HHT SYNDROME; JUVENILE POLYPOSIS WITH HEREDITARY HEMORRHAGIC TELANGIECTASIA; POLYPOSIS, GENERALIZED JUVENILE, WITH PULMONARY ARTERIOVENOUS MALFORMATION; TELANGIECTASIA, HEREDITARY HEMORRHAGIC, WITH JUVENILE POLYPOSIS COLI; Juvenile Polyposis Syndrome / Hereditary Hemorrhagic Telangiectasia (JPS/HHT). Identifiers: Orphanet 2929, MedGen C1832942, MONDO:0008278, OMIM 175050.

Submissions (2):

Myriad Genetics, Inc.
Classification: Benign for Juvenile polyposis/hereditary hemorrhagic telangiectasia syndrome. Last evaluated: 2025-03-21. Review status: criteria provided, single submitter. Criteria: Myriad Autosomal Dominant, Autosomal Recessive and X-Linked Classification Criteria (2023). Collection method: clinical testing. Allele origin: unknown.
Comment: This variant is considered benign. This variant is a silent/synonymous amino acid change and it is not expected to impact splicing.

Labcorp Genetics (formerly Invitae), Labcorp
Classification: Likely benign for Juvenile polyposis syndrome. Last evaluated: 2022-02-02. Review status: criteria provided, single submitter. Criteria: Invitae Variant Classification Sherloc (09022015). Collection method: clinical testing. Allele origin: germline.

NM_005359.6(SMAD4):c.1302T>C (p.Tyr434=)

Gene: SMAD4 (SMAD family member 4; plus strand). Cytogenetic location: 18q21.2.
Variant type: single nucleotide variant.
Coding change: c.1302T>C on transcript NM_005359.6 (MANE Select); coding-DNA position 1302, T replaced by C.
Protein change: p.Tyr434=; no amino-acid change (tyrosine 434 retained).
Molecular consequence: synonymous variant. On other transcripts: non-coding transcript variant (1).
Genome position (GRCh38, 1-based): chr18:51,067,181, T>C. VCF-style: chr18-51067181-T-C. GRCh37 (hg19) VCF-style: chr18-48593551-T-C.
Other names: c.1302T>C, p.Tyr434= (NM_001407041.1, NM_001407042.1).
Identifiers: ClinVar variation 2091661 (VCV002091661.5), dbSNP rs2144452909, ClinGen allele CA503874296.